The following is an entry in ClinVar:

NM_001277115.2(DNAH11):c.8371G>C (p.Asp2791His)

Gene: DNAH11 (dynein axonemal heavy chain 11; plus strand). Cytogenetic location: 7p15.3.
Variant type: single nucleotide variant.
Coding change: c.8371G>C on transcript NM_001277115.2 (MANE Select); coding-DNA position 8371, G replaced by C.
Protein change: p.Asp2791His; replaces aspartic acid 2791 with histidine.
Molecular consequence: missense variant.
Genome position (GRCh38, 1-based): chr7:21,744,924, G>C. VCF-style: chr7-21744924-G-C. GRCh37 (hg19) VCF-style: chr7-21784542-G-C.
Other names: c.8392G>C, p.Asp2798His (NM_003777.3); short protein forms D2791H, D2798H.
Identifiers: ClinVar variation 2201410 (VCV002201410.1), dbSNP rs752427757, ClinGen allele CA366954015.
Genomic context (GRCh38, chr7:21,744,924, plus strand): 5'-CTGCAGGGTATAGATAGTCACATGCTGCTTCAACAGCCCCTCATTTATTGCCACTTTGCT[G>C]ATAGAGGGAAGGACCCACATTACATGCCAGTGAAGGACTGGGAAGTGCTGAAGACGATTC-3'
Protein context (NP_001264044.1, residues 2781-2801): QQPLIYCHFA[Asp2791His]RGKDPHYMPV

ClinVar aggregate classification (germline): Uncertain significance (1 of 4 stars; one submission).

Conditions:
Primary ciliary dyskinesia. Also called: Ciliary dyskinesia. Identifiers: Orphanet 244, MedGen C0008780, MONDO:0016575, HP:0012265.

gnomAD v4.1: 4 of 1,611,192 alleles (0.00025%); highest among the groups gnomAD compares: East Asian, 0.0067%; no homozygotes.

Submission:

Labcorp Genetics (formerly Invitae), Labcorp
Classification: Uncertain significance for Primary ciliary dyskinesia. Last evaluated: 2022-08-06. Review status: criteria provided, single submitter. Criteria: Invitae Variant Classification Sherloc (09022015). Collection method: clinical testing. Allele origin: germline.
Comment: This sequence change replaces aspartic acid, which is acidic and polar, with histidine, which is basic and polar, at codon 2791 of the DNAH11 protein (p.Asp2791His). This variant is not present in population databases (gnomAD no frequency). This variant has not been reported in the literature in individuals affected with DNAH11-related conditions. Advanced modeling of protein sequence and biophysical properties (such as structural, functional, and spatial information, amino acid conservation, physicochemical variation, residue mobility, and thermodynamic stability) performed at Invitae indicates that this missense variant is not expected to disrupt DNAH11 protein function. In summary, the available evidence is currently insufficient to determine the role of this variant in disease. Therefore, it has been classified as a Variant of Uncertain Significance.